The following is an entry in ClinVar:

NM_000443.4(ABCB4):c.1772T>A (p.Leu591Gln)

Gene: ABCB4 (ATP binding cassette subfamily B member 4; minus strand). Cytogenetic location: 7q21.12.
Variant type: single nucleotide variant.
Coding change: c.1772T>A on transcript NM_000443.4 (MANE Select); coding-DNA position 1772, T replaced by A.
Protein change: p.Leu591Gln; replaces leucine 591 with glutamine.
Molecular consequence: missense variant.
Genome position (GRCh38, 1-based): chr7:87,431,525, A>T on the plus strand (T>A on the coding strand, the complement: ABCB4 is on the minus strand). VCF-style: chr7-87431525-A-T. GRCh37 (hg19) VCF-style: chr7-87060841-A-T.
Other names: c.1772T>A, p.Leu591Gln (NM_018849.3, NM_018850.3); short protein forms L591Q.
Identifiers: ClinVar variation 4846543 (VCV004846543.1).

ClinVar aggregate classification (germline): Uncertain significance (1 of 4 stars; one submission).

Conditions:
Low phospholipid associated cholelithiasis (GBD1). Also called: Gallbladder disease 1; Gallstone cholecystitis. Identifiers: Orphanet 69663, MedGen C2609268, MONDO:0010939, OMIM 600803.

gnomAD v4.1: 1 of 1,614,114 alleles (0.000062%); highest among the groups gnomAD compares: Non-Finnish European, 0.000085%; no homozygotes.

Submission:

Genomenon, Inc
Classification: Uncertain significance for Low phospholipid associated cholelithiasis. Last evaluated: 2026-04-14. Review status: criteria provided, single submitter. Criteria: Genomenon Sequence Variant Interpretation Standards - Updated. Collection method: curation. Allele origin: germline. Affected: yes.
Comment: ABCB4 p.Leu591Gln (c.1772T>A) is a missense variant that changes the amino acid at residue 591 from Leucine to Glutamine. This variant has been observed in at least one proband with an ABCB4-related disorder (PMID:12891548;23533021). It is absent or not present at a significant frequency in gnomAD. In silico models predict that this variant is possibly or probably damaging. In conclusion, we classify ABCB4 p.Leu591Gln (c.1772T>A) as a variant of uncertain significance.

Literature cited by the submitters: PubMed 12891548; PubMed 23533021.